The following is an entry in ClinVar:

NM_003873.7(NRP1):c.2200G>A (p.Gly734Ser)

Gene: NRP1 (neuropilin 1; minus strand). Cytogenetic location: 10p11.22.
Variant type: single nucleotide variant.
Coding change: c.2200G>A on transcript NM_003873.7 (MANE Select); coding-DNA position 2200, G replaced by A.
Protein change: p.Gly734Ser; replaces glycine 734 with serine.
Molecular consequence: missense variant. On other transcripts: non-coding transcript variant (1).
Genome position (GRCh38, 1-based): chr10:33,186,351, C>T on the plus strand (G>A on the coding strand, the complement: NRP1 is on the minus strand). VCF-style: chr10-33186351-C-T. GRCh37 (hg19) VCF-style: chr10-33475279-C-T.
Other names: c.2182G>A, p.Gly728Ser (NM_001244972.2); c.2179G>A, p.Gly727Ser (NM_001244973.2); c.2200G>A, p.Gly734Ser (NM_001330068.2); short protein forms G728S, G727S, G734S.
Identifiers: ClinVar variation 4979990 (VCV004979990.1).
Genomic context (GRCh38, chr10:33,186,351, plus strand): 5'-TCCAGACCAGCTGATCGTACTCCTCTGGCTTCTGGTAGCGCAGTTTGACCCTGAGTGTGC[C>T]GACGTGGGACCCAGACATGTGATACCAGAAGGTCATGCAGTGGGCAGAGTTCTGGGAATA-3'
Protein context (NP_003864.5, residues 724-744): FWYHMSGSHV[Gly734Ser]TLRVKLRYQK

ClinVar aggregate classification (germline): Uncertain significance (1 of 4 stars; one submission).

Conditions:
NRP1-related disorder. Also called: NRP1-related condition.

gnomAD v4.1: 14 of 1,613,908 alleles (0.00087%); highest among the groups gnomAD compares: Middle Eastern, 0.016%; no homozygotes.

Submission:

PreventionGenetics, part of Exact Sciences
Classification: Uncertain significance for NRP1-related condition. Last evaluated: 2026-03-18. Review status: criteria provided, single submitter. Criteria: ACMG Guidelines, 2015. Collection method: clinical testing. Allele origin: germline.
Comment: The NRP1 c.2200G>A variant is predicted to result in the amino acid substitution p.Gly734Ser. This variant has been reported in individuals with isolated hypogonadotropic hypogonadism (Marcos et al. 2017. PubMed ID: 28334861, Men et al. 2021. PubMed ID: 34636164). This variant is reported in 0.0065% of alleles in individuals of South Asian descent in gnomAD. At this time, the clinical significance of this variant is uncertain due to the absence of conclusive functional and genetic evidence.